The following is an entry in ClinVar:

ClinVar aggregate classification (germline): Conflicting classifications of pathogenicity. Review status: criteria provided, conflicting classifications (1 of 4 stars). 2 submissions from 2 submitters: Uncertain significance (1); Benign (1). Last evaluated 2025-04-10.

Conditions:
Tuberous sclerosis 1 (TSC1). Identifiers: Orphanet 805, MedGen C1854465, MONDO:0008612, OMIM 191100.
Hereditary cancer-predisposing syndrome. Also called: Hereditary Cancer Syndrome; Hereditary neoplastic syndrome; Tumor predisposition; Neoplastic Syndromes, Hereditary. Identifiers: Orphanet 140162, MedGen C0027672, MeSH D009386, MONDO:0015356.

Submissions (2):

Myriad Genetics, Inc.
Classification: Benign for Tuberous sclerosis 1. Last evaluated: 2025-04-10. Review status: criteria provided, single submitter. Criteria: Myriad Autosomal Dominant, Autosomal Recessive and X-Linked Classification Criteria (2023). Collection method: clinical testing. Allele origin: unknown.
Comment: This variant is considered benign. This variant has been observed at a population frequency that is significantly greater than expected given the associated disease prevalence and penetrance.

Ambry Genetics
Classification: Uncertain significance for Hereditary cancer-predisposing syndrome. Last evaluated: 2025-01-13. Review status: criteria provided, single submitter. Criteria: Ambry Variant Classification Scheme 2023. Collection method: clinical testing. Allele origin: germline.
Comment: The c.1758_1760delTAAinsCAG variant (also known as p.K587R), located in coding exon 13 of the TSC1 gene, results from an in-frame deletion of TAA and insertion of CAG at nucleotide positions 1758 to 1760. This results in the substitution of the lysine residue for an arginine residue at codon 587, an amino acid with highly similar properties. This amino acid position is well conserved in available vertebrate species. In addition, this alteration is predicted to be tolerated by in silico analysis. Based on the available evidence, the clinical significance of this variant remains unclear.

NM_000368.5(TSC1):c.1758_1760delinsCAG (p.Lys587Arg)

Gene: TSC1 (TSC complex subunit 1; minus strand). Cytogenetic location: 9q34.13.
Variant type: Indel.
Coding change: c.1758_1760delinsCAG on transcript NM_000368.5 (MANE Select); coding-DNA positions 1758 to 1760, TAA replaced by CAG.
Protein change: p.Lys587Arg; replaces lysine 587 with arginine.
Molecular consequence: missense variant. On other transcripts: non-coding transcript variant (5).
Genome position (GRCh38, 1-based): chr9:132,905,818-132,905,820, TTA replaced by CTG on the plus strand (TAA replaced by CAG on the coding strand, the reverse complement: TSC1 is on the minus strand). VCF-style: chr9-132905818-TTA-CTG. GRCh37 (hg19) VCF-style: chr9-135781205-TTA-CTG.
Other names: c.1395_1397delinsCAG, p.Lys466Arg (NM_001406615.1, NM_001406616.1, NM_001406617.1 and 5 more transcripts); c.1758_1760delinsCAG, p.Lys587Arg (NM_001406602.1, NM_001406605.1, NM_001406596.1 and 7 more transcripts); c.1755_1757delinsCAG, p.Lys586Arg (NM_001406603.1, NM_001406604.1, NM_001406597.1 and 6 more transcripts); c.1392_1394delinsCAG, p.Lys465Arg (NM_001406620.1, NM_001406621.1, NM_001406622.1 and 2 more transcripts); c.807_809delinsCAG, p.Lys270Arg (NM_001406626.1); c.804_806delinsCAG, p.Lys269Arg (NM_001406627.1, NM_001406628.1); c.705_707delinsCAG, p.Lys236Arg (NM_001406629.1, NM_001406630.1); c.1605_1607delinsCAG, p.Lys536Arg (NM_001162427.2, NM_001406610.1); and 1 more; short protein forms K535R, K465R, K586R, K587R, K236R, K269R, K270R, K466R.
Identifiers: ClinVar variation 3811233 (VCV003811233.2).